The following is an entry in ClinVar:

NM_001042492.3(NF1):c.5095G>A (p.Gly1699Ser)

Gene: NF1 (neurofibromin 1; plus strand). Cytogenetic location: 17q11.2.
Variant type: single nucleotide variant.
Coding change: c.5095G>A on transcript NM_001042492.3 (MANE Select); coding-DNA position 5095, G replaced by A.
Protein change: p.Gly1699Ser; replaces glycine 1699 with serine.
Molecular consequence: missense variant.
Genome position (GRCh38, 1-based): chr17:31,326,079, G>A. VCF-style: chr17-31326079-G-A. GRCh37 (hg19) VCF-style: chr17-29653097-G-A.
Other names: c.5032G>A, p.Gly1678Ser (NM_000267.4); short protein forms G1699S, G1678S.
Identifiers: ClinVar variation 825387 (VCV000825387.7), dbSNP rs1597830004, ClinGen allele CA399007562.

ClinVar aggregate classification (germline): Uncertain significance. Review status: criteria provided, multiple submitters, no conflicts (2 of 4 stars). 2 submissions from 2 submitters: Uncertain significance (2). Last evaluated 2023-10-15.

Conditions:
Hereditary cancer-predisposing syndrome. Also called: Neoplastic Syndromes, Hereditary; Hereditary Cancer Syndrome; Hereditary neoplastic syndrome; Tumor predisposition. Identifiers: Orphanet 140162, MedGen C0027672, MeSH D009386, MONDO:0015356.
Cardiovascular phenotype. Identifiers: MedGen CN230736.
Neurofibromatosis, type 1 (NF1). Also called: Neurofibromatosis, type I; Peripheral type neurofibromatosis; VON RECKLINGHAUSEN DISEASE; NEUROFIBROMATOSIS, TYPE I, SOMATIC. Identifiers: Orphanet 636, MedGen C0027831, MONDO:0018975, OMIM 162200. Disease mechanism: loss of function.

Submissions (2):

Labcorp Genetics (formerly Invitae), Labcorp
Classification: Uncertain significance for Neurofibromatosis, type 1. Last evaluated: 2023-10-15. Review status: criteria provided, single submitter. Criteria: Invitae Variant Classification Sherloc (09022015). Collection method: clinical testing. Allele origin: germline.
Comment: This sequence change replaces glycine, which is neutral and non-polar, with serine, which is neutral and polar, at codon 1678 of the NF1 protein (p.Gly1678Ser). This variant is not present in population databases (gnomAD no frequency). This variant has not been reported in the literature in individuals affected with NF1-related conditions. ClinVar contains an entry for this variant (Variation ID: 825387). Advanced modeling of protein sequence and biophysical properties (such as structural, functional, and spatial information, amino acid conservation, physicochemical variation, residue mobility, and thermodynamic stability) has been performed at Invitae for this missense variant, however the output from this modeling did not meet the statistical confidence thresholds required to predict the impact of this variant on NF1 protein function. In summary, the available evidence is currently insufficient to determine the role of this variant in disease. Therefore, it has been classified as a Variant of Uncertain Significance.

Ambry Genetics
Classification: Uncertain significance for Cardiovascular phenotype; Hereditary cancer-predisposing syndrome. Last evaluated: 2019-08-28. Review status: criteria provided, single submitter. Criteria: Ambry Variant Classification Scheme 2023. Collection method: clinical testing. Allele origin: germline.
Comment: The p.G1678S variant (also known as c.5032G>A), located in coding exon 36 of the NF1 gene, results from a G to A substitution at nucleotide position 5032. The glycine at codon 1678 is replaced by serine, an amino acid with similar properties. This amino acid position is highly conserved in available vertebrate species. In addition, the in silico prediction for this alteration is inconclusive. Since supporting evidence is limited at this time, the clinical significance of this alteration remains unclear.